The following is an entry in ClinVar:

NC_000006.11:g.(?_129486711)_(129486830_?)del

Gene: LAMA2 (laminin subunit alpha 2; plus strand). Cytogenetic location: 6q22.33.
Variant type: Deletion.
Identifiers: ClinVar variation 1069561 (VCV001069561.8).

ClinVar aggregate classification (germline): Pathogenic (1 of 4 stars; one submission).

Conditions:
LAMA2-related muscular dystrophy (LAMA2-RD). Also called: Laminin alpha 2-related dystrophy. Identifiers: MedGen C5679788, MONDO:0100228.

Submission:

Labcorp Genetics (formerly Invitae), Labcorp
Classification: Pathogenic for LAMA2-related muscular dystrophy. Last evaluated: 2022-06-12. Review status: criteria provided, single submitter. Criteria: Invitae Variant Classification Sherloc (09022015). Collection method: clinical testing. Allele origin: germline.
Comment: This variant is a gross deletion of the genomic region encompassing exon(s) 9 of the LAMA2 gene. This deletion is out-of-frame, and is expected to create a premature termination codon and result in an absent or disrupted protein product. Loss-of-function variants in LAMA2 are known to be pathogenic (PMID: 18700894, 32904964). This variant has not been reported in the literature in individuals affected with LAMA2-related conditions. For these reasons, this variant has been classified as Pathogenic.

Literature cited by the submitters: PubMed 18700894; PubMed 32904964.